The following is an entry in ClinVar:

ClinVar aggregate classification (germline): Uncertain significance. Review status: criteria provided, multiple submitters, no conflicts (2 of 4 stars). 5 submissions from 5 submitters: Uncertain significance (5). Last evaluated 2025-11-26.

Conditions:
Malignant hyperthermia, susceptibility to, 1 (MHS1). Also called: RYR1-Related Malignant Hyperthermia Susceptibility; Anesthesia related hyperthermia; Malignant hyperpyrexia; Fulminating hyperpyrexia; Pharmacogenic myopathy; Malignant hyperthermia suceptibility 1. Identifiers: Orphanet 423, MedGen C2930980, MONDO:0007783, OMIM 145600.
Congenital multicore myopathy with external ophthalmoplegia (CMYO1B). Also called: MULTIMINICORE DISEASE WITH EXTERNAL OPHTHALMOPLEGIA; MULTICORE MYOPATHY; Minicore myopathy with external ophthalmoplegia; Congenital myopathy 1B, autosomal recessive; Minicore myopathy. Identifiers: Orphanet 598, Orphanet 98905, MedGen C1850674, MONDO:0009712, OMIM 255320, HP:0003789.
King Denborough syndrome (KDS). Identifiers: MedGen C1840365, MONDO:0020485, OMIM 619542.
Central core myopathy (CMYO1A). Also called: CONGENITAL MYOPATHY 1A, AUTOSOMAL DOMINANT, WITH SUSCEPTIBILITY TO MALIGNANT HYPERTHERMIA; Central core disease; Myopathy, central fibrillar. Identifiers: Orphanet 597, MedGen C5830701, MONDO:0007294, OMIM 117000.
Congenital myopathy with fiber type disproportion. Also called: Congenital fiber-type disproportion myopathy; Congenital fiber-type disproportion. Identifiers: Orphanet 2020, MedGen C0546264, MONDO:0009711. Inheritance: all.
RYR1-related disorder. Also called: RYR1-related condition; RYR1-related disorders. Identifiers: MedGen CN239331.

Allele frequency attached by ClinVar (database versions not stated): gnomAD 0.00001; TOPMed 0.00003; gnomAD exomes 0.00004; ExAC 0.00008.
gnomAD v4.1: 44 of 1,613,142 alleles (0.0027%); highest among the groups gnomAD compares: Admixed American, 0.005%; no homozygotes.

Submissions (5):

Color Diagnostics, LLC DBA Color Health
Classification: Uncertain significance for Malignant hyperthermia, susceptibility to, 1. Last evaluated: 2025-11-26. Review status: criteria provided, single submitter. Criteria: ACMG Guidelines, 2015. Collection method: clinical testing. Allele origin: germline.
Comment: This missense variant replaces arginine with cysteine at codon 1301 of the RYR1 protein. Computational prediction is inconclusive regarding the impact of this variant on protein structure and function. To our knowledge, functional studies have not been reported for this variant. This variant has not been reported in individuals affected with RYR1-related disorders in the literature. This variant has been identified in 44/1613142 chromosomes in the general population by the Genome Aggregation Database (gnomAD). The available evidence is insufficient to determine the role of this variant in disease conclusively. Therefore, this variant is classified as a Variant of Uncertain Significance.

CeGaT Center for Human Genetics Tuebingen
Classification: Uncertain significance. Last evaluated: 2025-10-01. Review status: criteria provided, single submitter. Criteria: CeGaT Center For Human Genetics Tuebingen Variant Classification Criteria Version 2. Collection method: clinical testing. Allele origin: germline. Affected: yes. Observed: 2 variant alleles.
Comment: RYR1: PM2

PreventionGenetics, part of Exact Sciences
Classification: Uncertain significance for RYR1-related condition. Last evaluated: 2025-01-09. Review status: criteria provided, single submitter. Criteria: ACMG Guidelines, 2015. Collection method: clinical testing. Allele origin: germline.
Comment: The RYR1 c.3901C>T variant is predicted to result in the amino acid substitution p.Arg1301Cys. This variant has been reported in an individual with RYR1‑related myopathies (Fusto et al. 2022. PubMed ID: 35428369). This variant is reported in 0.0073% of alleles in individuals of European (Non-Finnish) descent in gnomAD. At this time, the clinical significance of this variant is uncertain due to the absence of conclusive functional and genetic evidence.

Labcorp Genetics (formerly Invitae), Labcorp
Classification: Uncertain significance for RYR1-related disorder. Last evaluated: 2024-11-23. Review status: criteria provided, single submitter. Criteria: Invitae Variant Classification Sherloc (09022015). Collection method: clinical testing. Allele origin: germline.
Comment: This sequence change replaces arginine, which is basic and polar, with cysteine, which is neutral and slightly polar, at codon 1301 of the RYR1 protein (p.Arg1301Cys). This variant is present in population databases (rs745920741, gnomAD 0.01%). This missense change has been observed in individual(s) with clinical features of RYR1-related conditions (PMID: 35428369). ClinVar contains an entry for this variant (Variation ID: 645685). Invitae Evidence Modeling of protein sequence and biophysical properties (such as structural, functional, and spatial information, amino acid conservation, physicochemical variation, residue mobility, and thermodynamic stability) has been performed for this missense variant. However, the output from this modeling did not meet the statistical confidence thresholds required to predict the impact of this variant on RYR1 protein function. In summary, the available evidence is currently insufficient to determine the role of this variant in disease. Therefore, it has been classified as a Variant of Uncertain Significance.

Fulgent Genetics
Classification: Uncertain significance for Central core myopathy; Malignant hyperthermia, susceptibility to, 1; Congenital myopathy 4A, autosomal dominant; Congenital multicore myopathy with external ophthalmoplegia; King Denborough syndrome. Last evaluated: 2021-08-03. Review status: criteria provided, single submitter. Criteria: ACMG Guidelines, 2015. Collection method: clinical testing. Allele origin: unknown.

Literature cited by the submitters: PubMed 35428369 (cited by Labcorp Genetics (formerly Invitae), Labcorp).

NM_000540.3(RYR1):c.3901C>T (p.Arg1301Cys)

Gene: RYR1 (ryanodine receptor 1; plus strand). Cytogenetic location: 19q13.2.
Variant type: single nucleotide variant.
Coding change: c.3901C>T on transcript NM_000540.3 (MANE Select); coding-DNA position 3901, C replaced by T.
Protein change: p.Arg1301Cys; replaces arginine 1301 with cysteine.
Molecular consequence: missense variant.
Genome position (GRCh38, 1-based): chr19:38,473,512, C>T. VCF-style: chr19-38473512-C-T. GRCh37 (hg19) VCF-style: chr19-38964152-C-T.
Other names: c.3901C>T, p.Arg1301Cys (NM_001042723.2); short protein forms R1301C.
Identifiers: ClinVar variation 645685 (VCV000645685.19), dbSNP rs745920741, ClinGen allele CA065324.
Genomic context (GRCh38, chr19:38,473,512, plus strand): 5'-AGCCTGGTGGAGATGCTTTTCCTGCGGCTGAGCCTCCCAGTCCAGTTCCACCAGCACTTC[C>T]GCTGCACTGCAGGGGCCACCCCGCTGGCACCTCCTGGCCTGCAGCCCCCCGCCGAGGACG-3'
Protein context (NP_000531.2, residues 1291-1311): SLPVQFHQHF[Arg1301Cys]CTAGATPLAP